The following is an entry in ClinVar:

NM_138477.4(CDAN1):c.226C>G (p.Pro76Ala)

Gene: CDAN1 (codanin 1; minus strand). Cytogenetic location: 15q15.2.
Variant type: single nucleotide variant.
Coding change: c.226C>G on transcript NM_138477.4 (MANE Select); coding-DNA position 226, C replaced by G.
Protein change: p.Pro76Ala; replaces proline 76 with alanine.
Molecular consequence: missense variant.
Genome position (GRCh38, 1-based): chr15:42,736,645, G>C on the plus strand (C>G on the coding strand, the complement: CDAN1 is on the minus strand). VCF-style: chr15-42736645-G-C. GRCh37 (hg19) VCF-style: chr15-43028843-G-C.
Other names: short protein forms P76A.
Identifiers: ClinVar variation 2184700 (VCV002184700.4), dbSNP rs1476353311, ClinGen allele CA392060413.
Genomic context (GRCh38, chr15:42,736,645, plus strand): 5'-CCCCGCGGCTACCCCGCGGCGGGCCTCCCGGCCTCCCTGGCAAGGCTGCCGAGGCGCCCG[G>C]GGTCTTGGCGGGGGTCGGGGGCCCCTGCGGGAGGACGCGGCTGCTCTGCTCCCTCAGGAA-3'
Protein context (NP_612486.2, residues 66-86): PQGPPTPAKT[Pro76Ala]GASAALPGRP

ClinVar aggregate classification (germline): Uncertain significance. Review status: criteria provided, multiple submitters, no conflicts (2 of 4 stars). 2 submissions from 2 submitters: Uncertain significance (2). Last evaluated 2023-05-09.

Conditions:
Anemia, congenital dyserythropoietic, type 1a (CDAN1A). Also called: DYSERYTHROPOIETIC ANEMIA, CONGENITAL, TYPE Ia; CDAN1-Related Congenital Dyserythropoietic Anemia. Identifiers: MedGen C5574667, MONDO:0009135, OMIM 224120.

Allele frequency attached by ClinVar (database versions not stated): gnomAD exomes below 0.00001; gnomAD 0.00001; TOPMed 0.00001.
gnomAD v4.1: 5 of 1,526,332 alleles (0.00033%); highest among the groups gnomAD compares: East Asian, 0.0026%; no homozygotes.

Submissions (2):

Revvity Omics, Revvity
Classification: Uncertain significance for Anemia, congenital dyserythropoietic, type 1a. Last evaluated: 2023-05-09. Review status: criteria provided, single submitter. Criteria: ACMG Guidelines, 2015. Collection method: clinical testing. Allele origin: germline.

Labcorp Genetics (formerly Invitae), Labcorp
Classification: Uncertain significance. Last evaluated: 2022-08-09. Review status: criteria provided, single submitter. Criteria: Invitae Variant Classification Sherloc (09022015). Collection method: clinical testing. Allele origin: germline.
Comment: In summary, the available evidence is currently insufficient to determine the role of this variant in disease. Therefore, it has been classified as a Variant of Uncertain Significance. Algorithms developed to predict the effect of missense changes on protein structure and function are either unavailable or do not agree on the potential impact of this missense change (SIFT: "Tolerated"; PolyPhen-2: "Probably Damaging"; Align-GVGD: "Class C0"). This variant has not been reported in the literature in individuals affected with CDAN1-related conditions. This variant is not present in population databases (gnomAD no frequency). This sequence change replaces proline, which is neutral and non-polar, with alanine, which is neutral and non-polar, at codon 76 of the CDAN1 protein (p.Pro76Ala).